The following is an entry in ClinVar:

NM_001111.5(ADAR):c.287G>T (p.Gly96Val)

Gene: ADAR (adenosine deaminase RNA specific; minus strand). Cytogenetic location: 1q21.3.
Variant type: single nucleotide variant.
Coding change: c.287G>T on transcript NM_001111.5 (MANE Select); coding-DNA position 287, G replaced by T.
Protein change: p.Gly96Val; replaces glycine 96 with valine.
Molecular consequence: missense variant. On other transcripts: 5 prime UTR variant (3), intron variant (3).
Genome position (GRCh38, 1-based): chr1:154,602,355, C>A on the plus strand (G>T on the coding strand, the complement: ADAR is on the minus strand). VCF-style: chr1-154602355-C-A. GRCh37 (hg19) VCF-style: chr1-154574831-C-A.
Other names: c.-599G>T (NM_001025107.3, NM_001193495.2, NM_001365048.1); c.314G>T, p.Gly105Val (NM_001365045.1); c.287G>T, p.Gly96Val (NM_015840.4, NM_015841.4); c.-493+30G>T (NM_001365046.1, NM_001365049.1, NM_001365047.1); short protein forms G105V, G96V.
Identifiers: ClinVar variation 1718583 (VCV001718583.5), dbSNP rs1159444304, ClinGen allele CA342604962.

ClinVar aggregate classification (germline): Uncertain significance (1 of 4 stars; one submission).

Conditions:
Symmetrical dyschromatosis of extremities (DSH). Also called: DYSCHROMATOSIS SYMMETRICA HEREDITARIA 1; RETICULATE ACROPIGMENTATION OF DOHI; SYMMETRIC DYSCHROMATOSIS OF THE EXTREMITIES; Dyschromatosis symmetrica hereditaria. Identifiers: Orphanet 41, MedGen C0406775, MONDO:0007483, OMIM 127400.
Aicardi-Goutieres syndrome 6 (AGS6). Identifiers: Orphanet 51, MedGen C3539013, MONDO:0014007, OMIM 615010.

Submission:

Labcorp Genetics (formerly Invitae), Labcorp
Classification: Uncertain significance for Aicardi-Goutieres syndrome 6; Symmetrical dyschromatosis of extremities. Last evaluated: 2022-09-01. Review status: criteria provided, single submitter. Criteria: Invitae Variant Classification Sherloc (09022015). Collection method: clinical testing. Allele origin: germline.
Comment: In summary, the available evidence is currently insufficient to determine the role of this variant in disease. Therefore, it has been classified as a Variant of Uncertain Significance. Algorithms developed to predict the effect of missense changes on protein structure and function output the following: SIFT: "Tolerated"; PolyPhen-2: "Benign"; Align-GVGD: "Class C0". The valine amino acid residue is found in multiple mammalian species, which suggests that this missense change does not adversely affect protein function. This variant has not been reported in the literature in individuals affected with ADAR-related conditions. This variant is not present in population databases (gnomAD no frequency). This sequence change replaces glycine, which is neutral and non-polar, with valine, which is neutral and non-polar, at codon 96 of the ADAR protein (p.Gly96Val).